The following is an entry in ClinVar:

ClinVar aggregate classification (germline): Uncertain significance (1 of 4 stars; one submission).

Submission:

GeneDx
Classification: Uncertain significance. Last evaluated: 2025-08-07. Review status: criteria provided, single submitter. Criteria: GeneDx Variant Classification Process June 2021. Collection method: clinical testing. Allele origin: germline. Affected: yes.
Comment: Not observed at significant frequency in large population cohorts (gnomAD); In silico analysis supports that this missense variant has a deleterious effect on protein structure/function; Has not been previously published as pathogenic or benign to our knowledge

NM_020436.5(SALL4):c.2647A>G (p.Ser883Gly)

Gene: SALL4 (spalt like transcription factor 4; minus strand). Cytogenetic location: 20q13.2.
Variant type: single nucleotide variant.
Coding change: c.2647A>G on transcript NM_020436.5 (MANE Select); coding-DNA position 2647, A replaced by G.
Protein change: p.Ser883Gly; replaces serine 883 with glycine.
Molecular consequence: missense variant.
Genome position (GRCh38, 1-based): chr20:51,788,956, T>C on the plus strand (A>G on the coding strand, the complement: SALL4 is on the minus strand). VCF-style: chr20-51788956-T-C. GRCh37 (hg19) VCF-style: chr20-50405495-T-C.
Other names: c.1336A>G, p.Ser446Gly (NM_001318031.2); short protein forms S446G, S883G.
Identifiers: ClinVar variation 4755849 (VCV004755849.1).
Genomic context (GRCh38, chr20:51,788,956, plus strand): 5'-AAATGTTGCACACAAAAGGCTTCTCTCCAGTGTGAGTCCGCTCGTGGATCTGAAGAGCGC[T>C]AGCAGACGAGAAGTTCTTCCCACACCGTGTGCAGCCATGTTGCTTGGCCTGTCGGCGTGG-3'
Protein context (NP_065169.1, residues 873-893): TRCGKNFSSA[Ser883Gly]ALQIHERTHT